The following is an entry in ClinVar:

ClinVar aggregate classification (germline): Likely pathogenic. Review status: criteria provided, multiple submitters, no conflicts (2 of 4 stars). 2 submissions from 2 submitters: Likely pathogenic (2). Last evaluated 2026-08-18.

Conditions:
Familial cancer of breast. Also called: BREAST CANCER, FAMILIAL; Hereditary breast cancer; hereditary breast carcinoma. Identifiers: Orphanet 227535, MedGen C0346153, MONDO:0016419, OMIM 114480. Disease mechanism: loss of function.

Submissions (2):

Myriad Genetics, Inc.
Classification: Likely pathogenic for Familial cancer of breast. Last evaluated: 2026-08-18. Review status: criteria provided, single submitter. Criteria: Myriad Autosomal Dominant, Autosomal Recessive and X-Linked Classification Criteria (2023). Collection method: clinical testing. Allele origin: unknown.
Comment: This variant is considered likely pathogenic. This variant occurs within a consensus splice junction and is predicted to result in abnormal mRNA splicing of either an out-of-frame exon or an in-frame exon necessary for protein stability and/or normal function.

Labcorp Genetics (formerly Invitae), Labcorp
Classification: Likely pathogenic for Familial cancer of breast. Last evaluated: 2024-12-10. Review status: criteria provided, single submitter. Criteria: Invitae Variant Classification Sherloc (09022015). Collection method: clinical testing. Allele origin: germline.
Comment: This sequence change affects a splice site in intron 7 of the BARD1 gene. RNA analysis indicates that disruption of this splice site induces altered splicing and may result in an absent or altered protein product. This variant is not present in population databases (gnomAD no frequency). This variant has not been reported in the literature in individuals affected with BARD1-related conditions. Studies have shown that disruption of this splice site results in skipping of exon 7, and produces a non-functional protein and/or introduces a premature termination codon (internal data). In summary, the currently available evidence indicates that the variant is pathogenic, but additional data are needed to prove that conclusively. Therefore, this variant has been classified as Likely Pathogenic.

NM_000465.4(BARD1):c.1677+2del

Gene: BARD1 (BRCA1 associated RING domain 1; minus strand). Cytogenetic location: 2q35.
Variant type: Deletion.
Coding change: c.1677+2del on transcript NM_000465.4 (MANE Select); the canonical splice donor site of the intron after coding-DNA position 1677, one base deleted (T; older notation c.1677+2delT).
Molecular consequence: splice donor variant. On other transcripts: intron variant (1).
Genome position (GRCh38, 1-based): chr2:214,752,445, A deleted on the plus strand (T on the coding strand, the reverse complement: BARD1 is on the minus strand). VCF-style (leftmost placement, unchanged base first): chr2-214752444-TA-T. GRCh37 (hg19) VCF-style: chr2-215617168-TA-T.
Other names: c.267+2del (NM_001282548.2); c.1620+2del (NM_001282543.2); c.324+2del (NM_001282545.2); c.365-21937del (NM_001282549.2).
Identifiers: ClinVar variation 3726962 (VCV003726962.3).